The following is an entry in ClinVar:

NM_004409.5(DMPK):c.*224CTG[80]

Genes: DM1-AS (DM1 locus antisense RNA; plus strand), DMPK (DM1 protein kinase; minus strand), LOC107075317 (origin of replication in DMPK trinucleotide repeat region; plus strand), LOC109461477 (dystrophia myotonica protein kinase repeat instability region; plus strand). Cytogenetic location: 19q13.32.
Variant type: Microsatellite.
Coding change: c.*224CTG[80] on transcript NM_004409.5 (MANE Select); 80 copies in a row of the 3-base unit CTG starting at c.*224.
Molecular consequence: 3 prime UTR variant.
Genome position: GRCh38, VCF-style position (the base before the change): chr19:45,770,204. GRCh37 (hg19), VCF-style position (the base before the change): chr19:46,273,462.
Other names: DM1 CTG repeat expansion; c.*224_*283CTG[80] (NM_004409.4); c.*224CTG[80] (NM_001081560.3, NM_001288764.2, NM_001424165.1 and 1 more transcripts); c.*217CTG[80] (NM_001081562.3, NM_001288765.2, NM_001424162.1 and 2 more transcripts); c.*222_*224TGC[80] (NM_001081563.3); c.*369CTG[80] (NM_001288766.2, NM_001424164.1, NM_001424168.1).
Identifiers: ClinVar variation 188031 (VCV000188031.5), ClinGen allele CA915951861.

ClinVar aggregate classification (germline): Pathogenic. Review status: criteria provided, single submitter (1 of 4 stars). 3 submissions from 2 submitters: Pathogenic (1). 2 of the submissions do not count toward it. Last evaluated 2019-11-26.

Conditions:
Steinert myotonic dystrophy syndrome (DM1). Also called: Myotonic dystrophy type 1; Dystrophia myotonica type 1; Steinert myotonic dystrophy; Steinert's disease; STEINERT DISEASE. Identifiers: Orphanet 273, MedGen C3250443, MONDO:0008056, OMIM 160900.

Submissions (3):

Neuromuscular Research, Maastricht University Medical Centre
Classification: Pathogenic for Steinert myotonic dystrophy syndrome. Last evaluated: 2019-11-26. Review status: criteria provided, single submitter. Criteria: Best practice guidelines on molecular diagnosis DM1 and DM2, Kamsteeg et al. 2012. Collection method: clinical testing. Allele origin: paternal. Affected: yes.

Institute of Molecular, Cell and Systems Biology, University of Glasgow
Classification: Pathogenic for Steinert myotonic dystrophy syndrome. Last evaluated: 2018-03-14. Review status: no assertion criteria provided. Collection method: research. Allele origin: inherited. Inheritance: Autosomal dominant inheritance. Affected: yes. Observed: 1 variant allele. Not counted in ClinVar's aggregate classification.
Comment: DMPK CTG repeat expansions greater than approximately 45-50 repeats are assumed to be pathogenic

Institute of Molecular, Cell and Systems Biology, University of Glasgow
Classification: Pathogenic for Steinert myotonic dystrophy syndrome. Review status: flagged submission. Criteria: research. Collection method: research. Allele origin: germline. Inheritance: Autosomal dominant inheritance. Affected: no. Observed: 1 heterozygote. Not counted in ClinVar's aggregate classification.
Comment: DMPK CTG repeat expansions greater than approximately 45-50 repeats are assumed to be pathogenic

This record is based on data published in PubMed 25052313, which reports only ClinVar accessions SCV000120188 and SCV000120189. The complete data set includes SCV000207445 - SCV000207579.
ClinVar note: Reason: This record appears to be redundant with a more recent record from the same submitter.
ClinVar note: Notes: SCV000207567 appears to be redundant with SCV000747877.

Literature cited by the submitters: PubMed 32203199 (cited by Neuromuscular Research, Maastricht University Medical Centre); PubMed 29967337 (cited by Institute of Molecular, Cell and Systems Biology, University of Glasgow); PubMed 1346923 (cited by Institute of Molecular, Cell and Systems Biology, University of Glasgow); PubMed 1546326 (cited by Institute of Molecular, Cell and Systems Biology, University of Glasgow); PubMed 25052313 (cited by Institute of Molecular, Cell and Systems Biology, University of Glasgow).